The following is an entry in ClinVar:

NM_018699.4(PRDM5):c.1298A>G (p.Lys433Arg)

Gene: PRDM5 (PR/SET domain 5; minus strand). Cytogenetic location: 4q27.
Variant type: single nucleotide variant.
Coding change: c.1298A>G on transcript NM_018699.4 (MANE Select); coding-DNA position 1298, A replaced by G.
Protein change: p.Lys433Arg; replaces lysine 433 with arginine.
Molecular consequence: missense variant.
Genome position (GRCh38, 1-based): chr4:120,781,288, T>C on the plus strand (A>G on the coding strand, the complement: PRDM5 is on the minus strand). VCF-style: chr4-120781288-T-C. GRCh37 (hg19) VCF-style: chr4-121702443-T-C.
Other names: c.1205A>G, p.Lys402Arg (NM_001300823.2, NM_001300824.2, NM_001379106.1); c.1331A>G, p.Lys444Arg (NM_001379104.1); short protein forms K402R, K433R, K444R.
Identifiers: ClinVar variation 3309797 (VCV003309797.1).

ClinVar aggregate classification (germline): Uncertain significance (1 of 4 stars; one submission).

Conditions:
Cardiovascular phenotype. Identifiers: MedGen CN230736.

gnomAD v4.1: 3 of 1,613,034 alleles (0.00019%); highest among the groups gnomAD compares: East Asian, 0.0067%; no homozygotes.

Submission:

Ambry Genetics
Classification: Uncertain significance for Cardiovascular phenotype. Last evaluated: 2024-04-07. Review status: criteria provided, single submitter. Criteria: Ambry Variant Classification Scheme 2023. Collection method: clinical testing. Allele origin: germline.
Comment: The p.K433R variant (also known as c.1298A>G), located in coding exon 12 of the PRDM5 gene, results from an A to G substitution at nucleotide position 1298. The lysine at codon 433 is replaced by arginine, an amino acid with highly similar properties. This amino acid position is conserved. In addition, this alteration is predicted to be tolerated by in silico analysis. Based on the available evidence, the clinical significance of this variant remains unclear.